The following is an entry in ClinVar:

ClinVar aggregate classification (germline): Conflicting classifications of pathogenicity. Review status: criteria provided, conflicting classifications (1 of 4 stars). 5 submissions from 5 submitters: Uncertain significance (4); Likely benign (1). Last evaluated 2025-07-08.

Conditions:
Inborn genetic diseases. Identifiers: MedGen C0950123, MeSH D030342.
Familial cold autoinflammatory syndrome 3 (FCAS3). Also called: FAMILIAL ATYPICAL COLD URTICARIA; ANTIBODY DEFICIENCY AND IMMUNE DYSREGULATION, PLCG2-ASSOCIATED. Identifiers: Orphanet 300359, MedGen C3280914, MONDO:0013766, OMIM 614468.
Autoinflammation-PLCG2-associated antibody deficiency-immune dysregulation. Also called: Autoinflammation, antibody deficiency, and immune dysregulation, plcg2-associated; AUTOINFLAMMATION, ANTIBODY DEFICIENCY, AND IMMUNE DYSREGULATION; Autoinflammation, antibody deficiency, and immune dysregulation syndrome. Identifiers: Orphanet 324530, MedGen C3553961, MONDO:0013944, OMIM 614878.

Allele frequency attached by ClinVar (database versions not stated): TOPMed 0.00005; gnomAD 0.00006.
gnomAD v4.1: 73 of 1,613,926 alleles (0.0045%); highest among the groups gnomAD compares: East Asian, 0.022%; no homozygotes.

Submissions (5):

Labcorp Genetics (formerly Invitae), Labcorp
Classification: Uncertain significance for Familial cold autoinflammatory syndrome 3. Last evaluated: 2025-07-08. Review status: criteria provided, single submitter. Criteria: Invitae Variant Classification Sherloc (09022015). Collection method: clinical testing. Allele origin: germline.
Comment: This sequence change replaces valine, which is neutral and non-polar, with isoleucine, which is neutral and non-polar, at codon 105 of the PLCG2 protein (p.Val105Ile). This variant is present in population databases (rs754914807, gnomAD 0.03%). This variant has not been reported in the literature in individuals affected with PLCG2-related conditions. ClinVar contains an entry for this variant (Variation ID: 661436). An algorithm developed to predict the effect of missense changes on protein structure and function outputs the following: PolyPhen-2: "Benign". The isoleucine amino acid residue is found in multiple mammalian species, which suggests that this missense change does not adversely affect protein function. In summary, the available evidence is currently insufficient to determine the role of this variant in disease. Therefore, it has been classified as a Variant of Uncertain Significance.

Ambry Genetics
Classification: Uncertain significance for Inborn genetic diseases. Last evaluated: 2024-11-14. Review status: criteria provided, single submitter. Criteria: Ambry Variant Classification Scheme 2023. Collection method: clinical testing. Allele origin: germline.

CeGaT Center for Human Genetics Tuebingen
Classification: Likely benign. Last evaluated: 2022-07-01. Review status: criteria provided, single submitter. Criteria: CeGaT Center For Human Genetics Tuebingen Variant Classification Criteria Version 2. Collection method: clinical testing. Allele origin: germline. Affected: yes. Observed: 1 variant allele.
Comment: PLCG2: BP4, BS2

Fulgent Genetics
Classification: Uncertain significance for Familial cold autoinflammatory syndrome 3; Autoinflammation-PLCG2-associated antibody deficiency-immune dysregulation. Last evaluated: 2021-12-26. Review status: criteria provided, single submitter. Criteria: ACMG Guidelines, 2015. Collection method: clinical testing. Allele origin: unknown.

Breakthrough Genomics
Classification: Uncertain significance. Review status: criteria provided, single submitter. Criteria: ACMG Guidelines, 2015. Collection method: not provided. Allele origin: germline. Inheritance: Autosomal dominant inheritance. Affected: yes.

NM_002661.5(PLCG2):c.313G>A (p.Val105Ile)

Gene: PLCG2 (phospholipase C gamma 2; plus strand). Cytogenetic location: 16q23.3.
Variant type: single nucleotide variant.
Coding change: c.313G>A on transcript NM_002661.5 (MANE Select); coding-DNA position 313, G replaced by A.
Protein change: p.Val105Ile; replaces valine 105 with isoleucine.
Molecular consequence: missense variant.
Genome position (GRCh38, 1-based): chr16:81,854,563, G>A. VCF-style: chr16-81854563-G-A. GRCh37 (hg19) VCF-style: chr16-81888168-G-A.
Other names: c.313G>A (NM_002661.3); short protein forms V105I.
Identifiers: ClinVar variation 661436 (VCV000661436.36), dbSNP rs754914807, ClinGen allele CA8193121.